The following is an entry in ClinVar:

ClinVar aggregate classification (germline): Uncertain significance (1 of 4 stars; one submission).

Conditions:
Glycogen storage disease, type II (IOPD). Also called: POMPE DISEASE, INFANTILE-ONSET; GLYCOGEN STORAGE DISEASE II, INFANTILE-ONSET; ACID ALPHA-GLUCOSIDASE DEFICIENCY, INFANTILE-ONSET; GAA DEFICIENCY, INFANTILE-ONSET; ACID MALTASE DEFICIENCY, INFANTILE-ONSET; Glucosidase acid-1,4-alpha deficiency. Identifiers: Orphanet 365, MedGen C0017921, MONDO:0009290, OMIM 232300.

Allele frequency attached by ClinVar (database versions not stated): ExAC 0.00001.

Submission:

Labcorp Genetics (formerly Invitae), Labcorp
Classification: Uncertain significance for Glycogen storage disease, type II. Last evaluated: 2023-05-02. Review status: criteria provided, single submitter. Criteria: Invitae Variant Classification Sherloc (09022015). Collection method: clinical testing. Allele origin: germline.
Comment: In summary, the available evidence is currently insufficient to determine the role of this variant in disease. Therefore, it has been classified as a Variant of Uncertain Significance. This sequence change replaces lysine, which is basic and polar, with arginine, which is basic and polar, at codon 114 of the GAA protein (p.Lys114Arg). The frequency data for this variant in the population databases is considered unreliable, as metrics indicate poor data quality at this position in the gnomAD database. This variant has not been reported in the literature in individuals affected with GAA-related conditions. Advanced modeling of protein sequence and biophysical properties (such as structural, functional, and spatial information, amino acid conservation, physicochemical variation, residue mobility, and thermodynamic stability) performed at Invitae indicates that this missense variant is not expected to disrupt GAA protein function.

NM_000152.5(GAA):c.341A>G (p.Lys114Arg)

Gene: GAA (alpha glucosidase; plus strand). Cytogenetic location: 17q25.3.
Variant type: single nucleotide variant.
Coding change: c.341A>G on transcript NM_000152.5 (MANE Select); coding-DNA position 341, A replaced by G.
Protein change: p.Lys114Arg; replaces lysine 114 with arginine.
Molecular consequence: missense variant.
Genome position (GRCh38, 1-based): chr17:80,104,927, A>G. VCF-style: chr17-80104927-A-G. GRCh37 (hg19) VCF-style: chr17-78078726-A-G.
Other names: c.341A>G, p.Lys114Arg (NM_001079803.3, NM_001079804.3, NM_001406741.1 and 1 more transcripts); short protein forms K114R.
Identifiers: ClinVar variation 2975220 (VCV002975220.3), dbSNP rs764501597, ClinGen allele CA8814852.